The following is an entry in ClinVar:

NM_001379270.1(CNGA1):c.437+1dup

Genes: CNGA1 (cyclic nucleotide gated channel subunit alpha 1; minus strand), LOC101927157 (uncharacterized LOC101927157; plus strand). Cytogenetic location: 4p12.
Variant type: Duplication.
Coding change: c.437+1dup on transcript NM_001379270.1 (MANE Select); the canonical splice donor site of the intron after coding-DNA position 437, one base duplicated (G; older notation c.437+1dupG).
Molecular consequence: splice donor variant.
Genome position (GRCh38, 1-based): chr4:47,943,180, C duplicated on the plus strand (G on the coding strand, the reverse complement: CNGA1 is on the minus strand). VCF-style (leftmost placement, unchanged base first): chr4-47943179-A-AC. GRCh37 (hg19) VCF-style: chr4-47945196-A-AC.
Other names: c.437+1dup (NM_000087.5, NM_001142564.2).
Identifiers: ClinVar variation 4716537 (VCV004716537.1).

ClinVar aggregate classification (germline): Likely pathogenic (1 of 4 stars; one submission).

Submission:

Labcorp Genetics (formerly Invitae), Labcorp
Classification: Likely pathogenic. Last evaluated: 2025-04-01. Review status: criteria provided, single submitter. Criteria: Invitae Variant Classification Sherloc (09022015). Collection method: clinical testing. Allele origin: germline.
Comment: This sequence change affects a splice site in intron 8 of the CNGA1 gene. It is expected to disrupt RNA splicing. Variants that disrupt the donor or acceptor splice site typically lead to a loss of protein function (PMID: 16199547), and loss-of-function variants in CNGA1 are known to be pathogenic (PMID: 7479749, 25268133). This variant is not present in population databases (gnomAD no frequency). This variant has not been reported in the literature in individuals affected with CNGA1-related conditions. Algorithms developed to predict the effect of sequence changes on RNA splicing suggest that this variant may disrupt the consensus splice site. In summary, the currently available evidence indicates that the variant is pathogenic, but additional data are needed to prove that conclusively. Therefore, this variant has been classified as Likely Pathogenic.

Literature cited by the submitters: PubMed 16199547; PubMed 7479749; PubMed 25268133.